The following is an entry in ClinVar:

NM_006206.6(PDGFRA):c.2633T>C (p.Val878Ala)

Gene: PDGFRA (platelet derived growth factor receptor alpha; plus strand). Cytogenetic location: 4q12.
Variant type: single nucleotide variant.
Coding change: c.2633T>C on transcript NM_006206.6 (MANE Select); coding-DNA position 2633, T replaced by C.
Protein change: p.Val878Ala; replaces valine 878 with alanine.
Molecular consequence: missense variant.
Genome position (GRCh38, 1-based): chr4:54,287,500, T>C. VCF-style: chr4-54287500-T-C. GRCh37 (hg19) VCF-style: chr4-55153667-T-C.
Other names: c.2708T>C, p.Val903Ala (NM_001347828.2); c.2633T>C, p.Val878Ala (NM_001347829.2); c.2672T>C, p.Val891Ala (NM_001347830.2); short protein forms V903A, V891A, V878A.
Identifiers: ClinVar variation 3930213 (VCV003930213.1).

ClinVar aggregate classification (germline): Uncertain significance (1 of 4 stars; one submission).

Conditions:
Hereditary cancer-predisposing syndrome. Also called: Tumor predisposition; Hereditary neoplastic syndrome; Hereditary Cancer Syndrome; Neoplastic Syndromes, Hereditary. Identifiers: Orphanet 140162, MedGen C0027672, MeSH D009386, MONDO:0015356.

gnomAD v4.1: 1 of 1,555,120 alleles (0.000064%); highest among the groups gnomAD compares: Non-Finnish European, 0.000089%; no homozygotes.

Submission:

Ambry Genetics
Classification: Uncertain significance for Hereditary cancer-predisposing syndrome. Last evaluated: 2025-05-08. Review status: criteria provided, single submitter. Criteria: Ambry Variant Classification Scheme 2023. Collection method: clinical testing. Allele origin: germline.
Comment: The p.V878A variant (also known as c.2633T>C), located in coding exon 18 of the PDGFRA gene, results from a T to C substitution at nucleotide position 2633. The valine at codon 878 is replaced by alanine, an amino acid with similar properties. This amino acid position is conserved. In addition, this alteration is predicted to be deleterious by in silico analysis. Based on the available evidence, the clinical significance of this variant remains unclear.